The following is an entry in ClinVar:

ClinVar aggregate classification (germline): Uncertain significance (1 of 4 stars; one submission).

Conditions:
Idiopathic generalized epilepsy. Also called: Generalised epilepsy; EIG. Identifiers: MedGen C0270850, MONDO:0005579, OMIM 600669.

Allele frequency attached by ClinVar (database versions not stated): gnomAD 0.00004; TOPMed 0.00004; ESP Exome Variant Server 0.00008.
gnomAD v4.1: 131 of 1,612,650 alleles (0.0081%); highest among the groups gnomAD compares: Non-Finnish European, 0.011%; no homozygotes.

Submission:

Labcorp Genetics (formerly Invitae), Labcorp
Classification: Uncertain significance for Idiopathic generalized epilepsy. Last evaluated: 2025-06-12. Review status: criteria provided, single submitter. Criteria: Invitae Variant Classification Sherloc (09022015). Collection method: clinical testing. Allele origin: germline.
Comment: This sequence change replaces threonine, which is neutral and polar, with lysine, which is basic and polar, at codon 100 of the RBFOX1 protein (p.Thr100Lys). This variant is present in population databases (rs371393737, gnomAD 0.008%). This variant has not been reported in the literature in individuals affected with RBFOX1-related conditions. ClinVar contains an entry for this variant (Variation ID: 1014322). Invitae Evidence Modeling of protein sequence and biophysical properties (such as structural, functional, and spatial information, amino acid conservation, physicochemical variation, residue mobility, and thermodynamic stability) indicates that this missense variant is not expected to disrupt RBFOX1 protein function with a negative predictive value of 80%. In summary, the available evidence is currently insufficient to determine the role of this variant in disease. Therefore, it has been classified as a Variant of Uncertain Significance.

NM_018723.4(RBFOX1):c.239C>A (p.Thr80Lys)

Gene: RBFOX1 (RNA binding fox-1 homolog 1; plus strand). Cytogenetic location: 16p13.3.
Variant type: single nucleotide variant.
Coding change: c.239C>A on transcript NM_018723.4 (MANE Select); coding-DNA position 239, C replaced by A.
Protein change: p.Thr80Lys; replaces threonine 80 with lysine.
Molecular consequence: missense variant.
Genome position (GRCh38, 1-based): chr16:7,518,358, C>A. VCF-style: chr16-7518358-C-A. GRCh37 (hg19) VCF-style: chr16-7568360-C-A.
Other names: c.239C>A, p.Thr80Lys (NM_001142333.2, NM_001142334.2, NM_001364800.2); c.368C>A, p.Thr123Lys (NM_001308117.1); c.299C>A, p.Thr100Lys (NM_145891.3, NM_145892.3, NM_145893.3); short protein forms T100K, T123K, T80K.
Identifiers: ClinVar variation 1014322 (VCV001014322.9), dbSNP rs371393737, ClinGen allele CA7891375.